The following is an entry in ClinVar:

NM_004946.3(DOCK2):c.2411A>G (p.His804Arg)

Gene: DOCK2 (dedicator of cytokinesis 2; plus strand). Cytogenetic location: 5q35.1.
Variant type: single nucleotide variant.
Coding change: c.2411A>G on transcript NM_004946.3 (MANE Select); coding-DNA position 2411, A replaced by G.
Protein change: p.His804Arg; replaces histidine 804 with arginine.
Molecular consequence: missense variant. On other transcripts: non-coding transcript variant (1).
Genome position (GRCh38, 1-based): chr5:169,759,739, A>G. VCF-style: chr5-169759739-A-G. GRCh37 (hg19) VCF-style: chr5-169186743-A-G.
Other names: short protein forms H804R.
Identifiers: ClinVar variation 2717714 (VCV002717714.3), dbSNP rs774521100, ClinGen allele CA3553747.

ClinVar aggregate classification (germline): Uncertain significance (1 of 4 stars; one submission).

Conditions:
DOCK2 deficiency. Also called: Immunodeficiency 40. Identifiers: Orphanet 447737, MedGen C4225328, MONDO:0014637, OMIM 616433.

Allele frequency attached by ClinVar (database versions not stated): gnomAD exomes below 0.00001; ExAC 0.00001.
gnomAD v4.1: 1 of 1,614,054 alleles (0.000062%); highest among the groups gnomAD compares: South Asian, 0.0011%; no homozygotes.

Submission:

Labcorp Genetics (formerly Invitae), Labcorp
Classification: Uncertain significance for DOCK2 deficiency. Last evaluated: 2023-06-25. Review status: criteria provided, single submitter. Criteria: Invitae Variant Classification Sherloc (09022015). Collection method: clinical testing. Allele origin: germline.
Comment: In summary, the available evidence is currently insufficient to determine the role of this variant in disease. Therefore, it has been classified as a Variant of Uncertain Significance. An algorithm developed to predict the effect of missense changes on protein structure and function (PolyPhen-2) suggests that this variant is likely to be tolerated. This variant has not been reported in the literature in individuals affected with DOCK2-related conditions. This variant is present in population databases (rs774521100, gnomAD 0.003%). This sequence change replaces histidine, which is basic and polar, with arginine, which is basic and polar, at codon 804 of the DOCK2 protein (p.His804Arg).